The following is an entry in ClinVar:

NM_001042681.2(RERE):c.4487-7T>A

Gene: RERE (arginine-glutamic acid dipeptide repeats; minus strand). Cytogenetic location: 1p36.23.
Variant type: single nucleotide variant.
Coding change: c.4487-7T>A on transcript NM_001042681.2 (MANE Select); 7 bases into the intron before coding-DNA position 4487, T replaced by A.
Molecular consequence: intron variant.
Genome position (GRCh38, 1-based): chr1:8,355,606, A>T on the plus strand (T>A on the coding strand, the complement: RERE is on the minus strand). VCF-style: chr1-8355606-A-T. GRCh37 (hg19) VCF-style: chr1-8415666-A-T.
Other names: c.4487-7T>A (NM_012102.4); c.2825-7T>A (NM_001042682.2).
Identifiers: ClinVar variation 3365653 (VCV003365653.1).
Genomic context (GRCh38, chr1:8,355,606, plus strand): 5'-CTGCTGACATGGGGGGTGGGATGGCCCCAGGCAGGTCACGGGGGTAGGGGGTGCCTGCCG[A>T]ACACAAAACAACCTGCGCTACAGAAATAGCCAGAGGACTGGCCAAGACCAGGGCGGCACA-3'

ClinVar aggregate classification (germline): Uncertain significance (1 of 4 stars; one submission).

gnomAD v4.1: 7 of 1,563,838 alleles (0.00045%); highest among the groups gnomAD compares: Non-Finnish European, 0.00061%; no homozygotes.

Submission:

GeneDx
Classification: Uncertain significance. Last evaluated: 2023-12-18. Review status: criteria provided, single submitter. Criteria: GeneDx Variant Classification Process June 2021. Collection method: clinical testing. Allele origin: germline. Affected: yes.
Comment: Not observed at significant frequency in large population cohorts (gnomAD); Has not been previously published as pathogenic or benign to our knowledge; In silico analysis is inconclusive as to whether the variant alters gene splicing. In the absence of RNA/functional studies, the actual effect of this sequence change is unknown.